The following is an entry in ClinVar:

NM_144997.7(FLCN):c.*5T>C

Gene: FLCN (folliculin; minus strand). Cytogenetic location: 17p11.2.
Variant type: single nucleotide variant.
Coding change: c.*5T>C on transcript NM_144997.7 (MANE Select); 5 bases downstream of the stop codon, T replaced by C.
Molecular consequence: 3 prime UTR variant.
Genome position (GRCh38, 1-based): chr17:17,213,650, A>G on the plus strand (T>C on the coding strand, the complement: FLCN is on the minus strand). VCF-style: chr17-17213650-A-G. GRCh37 (hg19) VCF-style: chr17-17116964-A-G.
Other names: c.*5T>C (LRG_325t1, NM_001353229.2, NM_001353230.2 and 1 more transcripts).
Identifiers: ClinVar variation 485622 (VCV000485622.6), dbSNP rs1555606300, ClinGen allele CA658656526.

ClinVar aggregate classification (germline): Conflicting classifications of pathogenicity. Review status: criteria provided, conflicting classifications (1 of 4 stars). 2 submissions from 2 submitters: Uncertain significance (1); Benign (1). Last evaluated 2024-10-28.

Conditions:
Hereditary cancer-predisposing syndrome. Also called: Tumor predisposition; Hereditary Cancer Syndrome; Hereditary neoplastic syndrome; Neoplastic Syndromes, Hereditary. Identifiers: Orphanet 140162, MedGen C0027672, MeSH D009386, MONDO:0015356.
Birt-Hogg-Dube syndrome 1 (BHD1). Also called: FIBROFOLLICULOMAS WITH TRICHODISCOMAS AND ACROCHORDONS. Identifiers: Orphanet 122, MedGen CN375946, MONDO:0800445, OMIM 135150.

Submissions (2):

Myriad Genetics, Inc.
Classification: Benign for Birt-Hogg-Dube syndrome 1. Last evaluated: 2024-10-28. Review status: criteria provided, single submitter. Criteria: Myriad Autosomal Dominant, Autosomal Recessive and X-Linked Classification Criteria (2023). Collection method: clinical testing. Allele origin: unknown.
Comment: This variant is considered benign. This variant occurs in the non-coding 3' untranslated region of the gene, and is not expected to impact protein function.

Ambry Genetics
Classification: Uncertain significance for Hereditary cancer-predisposing syndrome. Last evaluated: 2017-02-14. Review status: criteria provided, single submitter. Criteria: Ambry Variant Classification Scheme 2023. Collection method: clinical testing. Allele origin: germline.
Comment: The c.*5T>C variant is located in the 3' untranslated region (3&rsquo; UTR) of the FLCN gene. This variant results from a T to C substitution 5 nucleotides downstream of the last translated codon. This nucleotide position is poorly conserved in available vertebrate species, and C is the reference allele in the majority of species. Since supporting evidence is limited at this time, the clinical significance of this alteration remains unclear.